The following is an entry in ClinVar:

NM_022166.4(XYLT1):c.1730_1733dup (p.Asp578delinsGluTer)

Genes: XYLT1 (xylosyltransferase 1; minus strand), LOC102723692 (uncharacterized LOC102723692; plus strand). Cytogenetic location: 16p12.3.
Variant type: Duplication.
Coding change: c.1730_1733dup on transcript NM_022166.4 (MANE Select); coding-DNA positions 1730 to 1733, 4 bases duplicated (ATGA; older notation c.1730_1733dupATGA).
Protein change: p.Asp578delinsGluTer.
Molecular consequence: nonsense. On other transcripts: non-coding transcript variant (1).
Genome position (GRCh38, 1-based): chr16:17,138,386-17,138,389, TCAT duplicated on the plus strand (ATGA on the coding strand, the reverse complement: XYLT1 is on the minus strand); duplicating any 4 consecutive bases within chr16:17,138,386-17,138,390 gives the same sequence; the c. name uses the placement nearest the transcript's 3' end. VCF-style (leftmost placement, unchanged base first): chr16-17138385-G-GTCAT. GRCh37 (hg19) VCF-style: chr16-17232242-G-GTCAT.
Other names: c.1730_1733dupATGA (NM_022166.3).
Identifiers: ClinVar variation 426319 (VCV000426319.4), dbSNP rs1085307563, ClinGen allele CA645294088.

ClinVar aggregate classification (germline): Pathogenic. Review status: criteria provided, multiple submitters, no conflicts (2 of 4 stars). 3 submissions from 3 submitters: Pathogenic (2). 1 of the submissions does not count toward it. Last evaluated 2024-08-19.

Conditions:
XYLT1-related disorder. Also called: XYLT1-related condition.
Desbuquois dysplasia 2 (DBQD2). Also called: Baratela-Scott syndrome. Identifiers: Orphanet 1425, MedGen C4014294, MONDO:0014343, OMIM 615777.

Submissions (3):

Blueprint Genetics
Classification: Pathogenic for XYLT1-related disorders. Last evaluated: 2024-08-19. Review status: criteria provided, single submitter. Criteria: ACMG Guidelines, 2015. Collection method: clinical testing. Allele origin: germline. Affected: yes. Observed: 2 variant alleles.

GeneDx
Classification: Pathogenic. Last evaluated: 2024-03-21. Review status: criteria provided, single submitter. Criteria: GeneDx Variant Classification Process June 2021. Collection method: clinical testing. Allele origin: germline. Affected: yes.
Comment: Frameshift variant predicted to result in protein truncation or nonsense mediated decay in a gene for which loss of function is a known mechanism of disease; Not observed at significant frequency in large population cohorts (gnomAD); This variant is associated with the following publications: (PMID: 30554721)

OMIM
Classification: Pathogenic for DESBUQUOIS DYSPLASIA 2. Last evaluated: 2019-02-28. Review status: no assertion criteria provided. Collection method: literature only. Allele origin: germline. Not counted in ClinVar's aggregate classification.

Literature cited by the submitters: PubMed 30554721 (cited by OMIM).